The following is an entry in ClinVar:

NM_021167.5(GATAD1):c.787G>C (p.Glu263Gln)

Gene: GATAD1 (GATA zinc finger domain containing 1; plus strand). Cytogenetic location: 7q21.2.
Variant type: single nucleotide variant.
Coding change: c.787G>C on transcript NM_021167.5 (MANE Select); coding-DNA position 787, G replaced by C.
Protein change: p.Glu263Gln; replaces glutamic acid 263 with glutamine.
Molecular consequence: missense variant. On other transcripts: non-coding transcript variant (1).
Genome position (GRCh38, 1-based): chr7:92,456,539, G>C. VCF-style: chr7-92456539-G-C. GRCh37 (hg19) VCF-style: chr7-92085853-G-C.
Other names: short protein forms E263Q.
Identifiers: ClinVar variation 2806521 (VCV002806521.3), dbSNP rs2484541574, ClinGen allele CA368163115.

ClinVar aggregate classification (germline): Uncertain significance (1 of 4 stars; one submission).

Conditions:
Dilated cardiomyopathy 2B. Identifiers: Orphanet 154, MedGen C3553409, MONDO:0013848, OMIM 614672.

Submission:

Labcorp Genetics (formerly Invitae), Labcorp
Classification: Uncertain significance for Dilated cardiomyopathy 2B. Last evaluated: 2024-01-04. Review status: criteria provided, single submitter. Criteria: Invitae Variant Classification Sherloc (09022015). Collection method: clinical testing. Allele origin: germline.
Comment: This sequence change replaces glutamic acid, which is acidic and polar, with glutamine, which is neutral and polar, at codon 263 of the GATAD1 protein (p.Glu263Gln). This variant is not present in population databases (gnomAD no frequency). This variant has not been reported in the literature in individuals affected with GATAD1-related conditions. An algorithm developed to predict the effect of missense changes on protein structure and function (PolyPhen-2) suggests that this variant is likely to be disruptive. In summary, the available evidence is currently insufficient to determine the role of this variant in disease. Therefore, it has been classified as a Variant of Uncertain Significance.